The following is an entry in ClinVar:

NM_002294.3(LAMP2):c.685A>G (p.Asn229Asp)

Gene: LAMP2 (lysosome associated membrane protein 2; minus strand). Cytogenetic location: Xq24.
Variant type: single nucleotide variant.
Coding change: c.685A>G on transcript NM_002294.3 (MANE Select); coding-DNA position 685, A replaced by G.
Protein change: p.Asn229Asp; replaces asparagine 229 with aspartic acid.
Molecular consequence: missense variant.
Genome position (GRCh38, 1-based): chrX:120,447,897, T>C on the plus strand (A>G on the coding strand, the complement: LAMP2 is on the minus strand). VCF-style: chrX-120447897-T-C. GRCh37 (hg19) VCF-style: chrX-119581752-T-C.
Other names: c.685A>G, p.Asn229Asp (NM_001122606.1, NM_013995.2); short protein forms N229D.
Identifiers: ClinVar variation 2144636 (VCV002144636.4), dbSNP rs2520884062, ClinGen allele CA414401338.

ClinVar aggregate classification (germline): Uncertain significance (1 of 4 stars; one submission).

Conditions:
Danon disease. Also called: Glycogen Storage Disease Type IIb; PSEUDOGLYCOGENOSIS II; GSD IIb; LYSOSOMAL GLYCOGEN STORAGE DISEASE WITHOUT ACID MALTASE DEFICIENCY; ANTOPOL DISEASE. Identifiers: Orphanet 34587, MedGen C0878677, MONDO:0010281, OMIM 300257.

Submission:

Labcorp Genetics (formerly Invitae), Labcorp
Classification: Uncertain significance for Danon disease. Last evaluated: 2024-10-15. Review status: criteria provided, single submitter. Criteria: Invitae Variant Classification Sherloc (09022015). Collection method: clinical testing. Allele origin: germline.
Comment: This sequence change replaces asparagine, which is neutral and polar, with aspartic acid, which is acidic and polar, at codon 229 of the LAMP2 protein (p.Asn229Asp). This variant is not present in population databases (gnomAD no frequency). This variant has not been reported in the literature in individuals affected with LAMP2-related conditions. ClinVar contains an entry for this variant (Variation ID: 2144636). Invitae Evidence Modeling of protein sequence and biophysical properties (such as structural, functional, and spatial information, amino acid conservation, physicochemical variation, residue mobility, and thermodynamic stability) indicates that this missense variant is not expected to disrupt LAMP2 protein function with a negative predictive value of 80%. In summary, the available evidence is currently insufficient to determine the role of this variant in disease. Therefore, it has been classified as a Variant of Uncertain Significance.